The following is an entry in ClinVar:

NM_005032.7(PLS3):c.323del (p.Gly108fs)

Gene: PLS3 (plastin 3; plus strand). Cytogenetic location: Xq23.
Variant type: Deletion.
Coding change: c.323del on transcript NM_005032.7 (MANE Select); coding-DNA position 323, one base deleted (G; older notation c.323delG).
Protein change: p.Gly108fs; shifts the reading frame from glycine 108.
Molecular consequence: frameshift variant.
Genome position (GRCh38, 1-based): chrX:115,629,283, G deleted; the last of 2 consecutive G bases (chrX:115,629,282-115,629,283); deleting either gives the same sequence. VCF-style (leftmost placement, unchanged base first): chrX-115629281-TG-T. GRCh37 (hg19) VCF-style: chrX-114863593-TG-T.
Other names: c.188del, p.Gly63fs (NM_001282338.2); c.323del, p.Gly108fs (NM_001136025.5); c.242del, p.Gly81fs (NM_001172335.3); c.257del, p.Gly86fs (NM_001282337.2); short protein forms G108fs, G81fs, G86fs, G63fs.
Identifiers: ClinVar variation 2811444 (VCV002811444.3), dbSNP rs2521410230, ClinGen allele CA2739273740.

ClinVar aggregate classification (germline): Pathogenic (1 of 4 stars; one submission).

Submission:

Labcorp Genetics (formerly Invitae), Labcorp
Classification: Pathogenic. Last evaluated: 2023-05-22. Review status: criteria provided, single submitter. Criteria: Invitae Variant Classification Sherloc (09022015). Collection method: clinical testing. Allele origin: germline.
Comment: For these reasons, this variant has been classified as Pathogenic. This sequence change creates a premature translational stop signal (p.Gly108Glufs*26) in the PLS3 gene. It is expected to result in an absent or disrupted protein product. Loss-of-function variants in PLS3 are known to be pathogenic (PMID: 24088043, 30405713, 33166085). This variant is not present in population databases (gnomAD no frequency). This variant has not been reported in the literature in individuals affected with PLS3-related conditions.

Literature cited by the submitters: PubMed 24088043; PubMed 30405713; PubMed 33166085.